The following is an entry in ClinVar:

ClinVar aggregate classification (germline): Uncertain significance (1 of 4 stars; one submission).

Conditions:
Kartagener syndrome (CILD1). Also called: SIEWERT SYNDROME; CILIARY DYSKINESIA, PRIMARY, 1; CILIARY DYSKINESIA, PRIMARY, 1, WITH OR WITHOUT SITUS INVERSUS; IMMOTILE CILIA SYNDROME; POLYNESIAN BRONCHIECTASIS; Dextrocardia bronchiectasis and sinusitis. Identifiers: Orphanet 244, MedGen C4551906, MONDO:0009484, OMIM 244400.

Submission:

Coskunpinar Laboratory, Saglik Bilimleri University, Hamidiye School of Medicine
Classification: Uncertain significance for Kartagener syndrome. Last evaluated: 2026-02-02. Review status: criteria provided, single submitter. Criteria: ACMG Guidelines, 2015. Collection method: research. Allele origin: germline. Affected: yes. Observed: 1 variant allele, 1 hemizygote.
Comment: Novel structural variant classified as uncertain significance by Qiagen Clinical Insight Interpret which implements ACMG/AMP variant interpretation guidelines. No definitive pathogenic or benign evidence currently available.

GRCh38/hg38 6q25.3(chr6:158769327-158770895)x1

Gene: EZR (ezrin; minus strand). Cytogenetic location: 6q25.3.
Variant type: copy number loss.
Change: copy number 1 (one copy instead of two) of chr6:158,769,327-158,770,895 (1.6 kb, GRCh38 coordinates, 1-based), cytogenetic band 6q25.3.
Identifiers: ClinVar variation 4795796 (VCV004795796.1).